The following is an entry in ClinVar:

ClinVar aggregate classification (germline): Conflicting classifications of pathogenicity. Review status: criteria provided, conflicting classifications (1 of 4 stars). 2 submissions from 2 submitters: Uncertain significance (1); Likely benign (1). Last evaluated 2023-03-23.

Conditions:
Hereditary cancer-predisposing syndrome. Also called: Hereditary neoplastic syndrome; Tumor predisposition; Neoplastic Syndromes, Hereditary; Hereditary Cancer Syndrome. Identifiers: Orphanet 140162, MedGen C0027672, MeSH D009386, MONDO:0015356.
Hereditary breast ovarian cancer syndrome. Also called: Hereditary breast and ovarian cancer; Breast and ovarian cancer; BRCA1- and BRCA2-Associated Hereditary Breast and Ovarian Cancer; Hereditary breast and/or ovarian cancer syndrome; Hereditary breast and ovarian cancer syndrome; Hereditary breast and ovarian cancer syndrome (HBOC). Identifiers: Orphanet 145, MedGen C0677776, MeSH D061325, MONDO:0003582. Disease mechanism: loss of function.

Submissions (2):

University of Washington Department of Laboratory Medicine, University of Washington
Classification: Likely benign for Hereditary cancer-predisposing syndrome. Last evaluated: 2023-03-23. Review status: criteria provided, single submitter. Criteria: Dines et al. (Genet Med. 2020). Collection method: curation. Allele origin: germline.
Comment: Missense variant in a coldspot region where missense variants are very unlikely to be pathogenic (PMID:31911673).

BRCA1 coldspot (exon 11 using historical exon numbering). Reclassification based on statistical prior probability

Labcorp Genetics (formerly Invitae), Labcorp
Classification: Uncertain significance for Hereditary breast ovarian cancer syndrome. Last evaluated: 2021-07-03. Review status: criteria provided, single submitter. Criteria: Invitae Variant Classification Sherloc (09022015). Collection method: clinical testing. Allele origin: germline.
Comment: This sequence change replaces serine with cysteine at codon 915 of the BRCA1 protein (p.Ser915Cys). The serine residue is moderately conserved and there is a moderate physicochemical difference between serine and cysteine. In summary, the available evidence is currently insufficient to determine the role of this variant in disease. Therefore, it has been classified as a Variant of Uncertain Significance. Advanced modeling of protein sequence and biophysical properties (such as structural, functional, and spatial information, amino acid conservation, physicochemical variation, residue mobility, and thermodynamic stability) performed at Invitae indicates that this missense variant is not expected to disrupt BRCA1 protein function. This variant has not been reported in the literature in individuals affected with BRCA1-related conditions. This variant is not present in population databases (ExAC no frequency).

NM_007294.4(BRCA1):c.2744C>G (p.Ser915Cys)

Gene: BRCA1 (BRCA1 DNA repair associated; minus strand). Cytogenetic location: 17q21.31.
Variant type: single nucleotide variant.
Coding change: c.2744C>G on transcript NM_007294.4 (MANE Select); coding-DNA position 2744, C replaced by G.
Protein change: p.Ser915Cys; replaces serine 915 with cysteine.
Molecular consequence: missense variant. On other transcripts: intron variant (137).
Genome position (GRCh38, 1-based): chr17:43,092,787, G>C on the plus strand (C>G on the coding strand, the complement: BRCA1 is on the minus strand). VCF-style: chr17-43092787-G-C. GRCh37 (hg19) VCF-style: chr17-41244804-G-C.
Other names: c.2411C>G, p.Ser804Cys (NM_001407948.1, NM_001407949.1, NM_001407950.1 and 6 more transcripts); c.2408C>G, p.Ser803Cys (NM_001407958.1, NM_001407954.1, NM_001407955.1 and 1 more transcripts); c.2363C>G, p.Ser788Cys (NM_001407959.1, NM_001407960.1, NM_001407963.1); c.2360C>G, p.Ser787Cys (NM_001407962.1); c.2600C>G, p.Ser867Cys (NM_001407964.1, NM_001407740.1, NM_001407741.1 and 20 more transcripts); c.2240C>G, p.Ser747Cys (NM_001407965.1); c.1856C>G, p.Ser619Cys (NM_001407966.1, NM_001407967.1); c.2531C>G, p.Ser844Cys (NM_001407571.1, NM_001407915.1, NM_001407916.1 and 9 more transcripts); and 41 more; short protein forms S915C, S868C, S804C, S847C, S888C, S912C, S747C, S827C.
Identifiers: ClinVar variation 1503334 (VCV001503334.11), dbSNP rs1222778457, ClinGen allele CA10596500.